The following is an entry in ClinVar:

NM_003482.4(KMT2D):c.12413C>T (p.Ser4138Phe)

Gene: KMT2D (lysine methyltransferase 2D; minus strand). Cytogenetic location: 12q13.12.
Variant type: single nucleotide variant.
Coding change: c.12413C>T on transcript NM_003482.4 (MANE Select); coding-DNA position 12413, C replaced by T.
Protein change: p.Ser4138Phe; replaces serine 4138 with phenylalanine.
Molecular consequence: missense variant.
Genome position (GRCh38, 1-based): chr12:49,032,292, G>A on the plus strand (C>T on the coding strand, the complement: KMT2D is on the minus strand). VCF-style: chr12-49032292-G-A. GRCh37 (hg19) VCF-style: chr12-49426075-G-A.
Other names: short protein forms S4138F.
Identifiers: ClinVar variation 4994997 (VCV004994997.1).
Genomic context (GRCh38, chr12:49,032,292, plus strand): 5'-GGCTGTTGGGGGCCCAGAAGGTTCTGGGTCATGGACCCAGGCTGATCCCCTAAGGAAACA[G>A]AGGGCTGAGCCAGCAGGTGGGGCACAGATGAGGCCTCAGAAGATGATCCACTGCCTAGCT-3'
Protein context (NP_003473.3, residues 4128-4148): SSVPHLLAQP[Ser4138Phe]VSLGDQPGSM

ClinVar aggregate classification (germline): Uncertain significance (1 of 4 stars; one submission).

Conditions:
KMT2D-related disorder. Also called: KMT2D-Related Disorders.

gnomAD v4.1: 2 of 1,613,830 alleles (0.00012%); highest among the groups gnomAD compares: Non-Finnish European, 0.000085%; no homozygotes.

Submission:

PreventionGenetics, part of Exact Sciences
Classification: Uncertain significance for KMT2D-related condition. Last evaluated: 2025-11-16. Review status: criteria provided, single submitter. Criteria: ACMG Guidelines, 2015. Collection method: clinical testing. Allele origin: germline.
Comment: The KMT2D c.12413C>T variant is predicted to result in the amino acid substitution p.Ser4138Phe. To our knowledge, this variant has not been reported in the literature or in a large population database (gnomAD), indicating this variant is rare. At this time, the clinical significance of this variant is uncertain due to the absence of conclusive functional and genetic evidence.